The following is an entry in ClinVar:

ClinVar aggregate classification (germline): Uncertain significance. Review status: criteria provided, multiple submitters, no conflicts (2 of 4 stars). 2 submissions from 2 submitters: Uncertain significance (2). Last evaluated 2026-01-12.

Conditions:
Ullrich congenital muscular dystrophy 2 (UCMD2). Identifiers: Orphanet 75840, MedGen C4225314, MONDO:0014654, OMIM 616470.
Bethlem myopathy 2 (BTHLM2). Identifiers: Orphanet 536516, Orphanet 610, MedGen C4225313, MONDO:0034022, OMIM 616471.

Allele frequency attached by ClinVar (database versions not stated): gnomAD exomes 0.00001; TOPMed below 0.00001; ESP Exome Variant Server 0.00008.

Submissions (2):

Labcorp Genetics (formerly Invitae), Labcorp
Classification: Uncertain significance for Bethlem myopathy 2; Ullrich congenital muscular dystrophy 2. Last evaluated: 2026-01-12. Review status: criteria provided, single submitter. Criteria: Invitae Variant Classification Sherloc (09022015). Collection method: clinical testing. Allele origin: germline.
Comment: This sequence change replaces methionine, which is neutral and non-polar, with lysine, which is basic and polar, at codon 1835 of the COL12A1 protein (p.Met1835Lys). This variant is not present in population databases (gnomAD no frequency). This variant has not been reported in the literature in individuals affected with COL12A1-related conditions. ClinVar contains an entry for this variant (Variation ID: 1022793). Invitae Evidence Modeling of protein sequence and biophysical properties (such as structural, functional, and spatial information, amino acid conservation, physicochemical variation, residue mobility, and thermodynamic stability) indicates that this missense variant is not expected to disrupt COL12A1 protein function with a negative predictive value of 80%. In summary, the available evidence is currently insufficient to determine the role of this variant in disease. Therefore, it has been classified as a Variant of Uncertain Significance.

GeneDx
Classification: Uncertain significance. Last evaluated: 2024-12-11. Review status: criteria provided, single submitter. Criteria: GeneDx Variant Classification Process June 2021. Collection method: clinical testing. Allele origin: germline. Affected: yes.
Comment: Not observed at significant frequency in large population cohorts (gnomAD); In silico analysis indicates that this missense variant does not alter protein structure/function; Has not been previously published as pathogenic or benign to our knowledge

NM_004370.6(COL12A1):c.5504T>A (p.Met1835Lys)

Gene: COL12A1 (collagen type XII alpha 1 chain; minus strand). Cytogenetic location: 6q13.
Variant type: single nucleotide variant.
Coding change: c.5504T>A on transcript NM_004370.6 (MANE Select); coding-DNA position 5504, T replaced by A.
Protein change: p.Met1835Lys; replaces methionine 1835 with lysine.
Molecular consequence: missense variant.
Genome position (GRCh38, 1-based): chr6:75,134,746, A>T on the plus strand (T>A on the coding strand, the complement: COL12A1 is on the minus strand). VCF-style: chr6-75134746-A-T. GRCh37 (hg19) VCF-style: chr6-75844462-A-T.
Other names: c.5504T>A (NM_004370.5); c.2012T>A, p.Met671Lys (NM_080645.3); short protein forms M1835K, M671K.
Identifiers: ClinVar variation 1022793 (VCV001022793.10), dbSNP rs374927144, ClinGen allele CA140990986.